The following is an entry in ClinVar:

NM_001130438.3(SPTAN1):c.4672C>T (p.Arg1558Trp)

Gene: SPTAN1 (spectrin alpha, non-erythrocytic 1; plus strand). Cytogenetic location: 9q34.11.
Variant type: single nucleotide variant.
Coding change: c.4672C>T on transcript NM_001130438.3 (MANE Select); coding-DNA position 4672, C replaced by T.
Protein change: p.Arg1558Trp; replaces arginine 1558 with tryptophan.
Molecular consequence: missense variant.
Genome position (GRCh38, 1-based): chr9:128,609,198, C>T. VCF-style: chr9-128609198-C-T. GRCh37 (hg19) VCF-style: chr9-131371477-C-T.
Other names: c.4612C>T, p.Arg1538Trp (NM_001195532.2, NM_001363765.2, NM_001375314.2); c.4672C>T, p.Arg1558Trp (NM_001363759.2, NM_001375310.1, NM_001375311.2 and 2 more transcripts); c.4708C>T, p.Arg1570Trp (NM_001375312.2, NM_001375318.1); c.4672C>T (NM_001130438.2); short protein forms R1538W, R1558W, R1570W.
Identifiers: ClinVar variation 1045810 (VCV001045810.10), dbSNP rs750465466, ClinGen allele CA5265251.

ClinVar aggregate classification (germline): Uncertain significance. Review status: criteria provided, multiple submitters, no conflicts (2 of 4 stars). 2 submissions from 2 submitters: Uncertain significance (2). Last evaluated 2025-01-24.

Conditions:
Early-infantile DEE. Also called: Ohtahara syndrome; Early infantile epileptic encephalopathy with suppression bursts; Early infantile epileptic encephalopathy. Identifiers: Orphanet 1934, MedGen C0393706, MONDO:0800491.
Inborn genetic diseases. Identifiers: MedGen C0950123, MeSH D030342.

Allele frequency attached by ClinVar (database versions not stated): TOPMed below 0.00001; ExAC 0.00001; gnomAD 0.00001; gnomAD exomes 0.00001.
gnomAD v4.1: 12 of 1,614,034 alleles (0.00074%); highest among the groups gnomAD compares: Middle Eastern, 0.016%; no homozygotes.

Submissions (2):

Ambry Genetics
Classification: Uncertain significance for Inborn genetic diseases. Last evaluated: 2025-01-24. Review status: criteria provided, single submitter. Criteria: Ambry Variant Classification Scheme 2023. Collection method: clinical testing. Allele origin: germline.

Labcorp Genetics (formerly Invitae), Labcorp
Classification: Uncertain significance for Early-infantile DEE. Last evaluated: 2025-01-17. Review status: criteria provided, single submitter. Criteria: Invitae Variant Classification Sherloc (09022015). Collection method: clinical testing. Allele origin: germline.
Comment: This sequence change replaces arginine, which is basic and polar, with tryptophan, which is neutral and slightly polar, at codon 1558 of the SPTAN1 protein (p.Arg1558Trp). This variant is present in population databases (rs750465466, gnomAD 0.004%). This variant has not been reported in the literature in individuals affected with SPTAN1-related conditions. ClinVar contains an entry for this variant (Variation ID: 1045810). Invitae Evidence Modeling of protein sequence and biophysical properties (such as structural, functional, and spatial information, amino acid conservation, physicochemical variation, residue mobility, and thermodynamic stability) has been performed for this missense variant. However, the output from this modeling did not meet the statistical confidence thresholds required to predict the impact of this variant on SPTAN1 protein function. In summary, the available evidence is currently insufficient to determine the role of this variant in disease. Therefore, it has been classified as a Variant of Uncertain Significance.